The following is an entry in ClinVar:

NM_001376.5(DYNC1H1):c.8886+5G>A

Gene: DYNC1H1 (dynein cytoplasmic 1 heavy chain 1; plus strand). Cytogenetic location: 14q32.31.
Variant type: single nucleotide variant.
Coding change: c.8886+5G>A on transcript NM_001376.5 (MANE Select); 5 bases into the intron after coding-DNA position 8886, G replaced by A.
Molecular consequence: intron variant.
Genome position (GRCh38, 1-based): chr14:102,027,293, G>A. VCF-style: chr14-102027293-G-A. GRCh37 (hg19) VCF-style: chr14-102493630-G-A.
Identifiers: ClinVar variation 3725352 (VCV003725352.3).
Genomic context (GRCh38, chr14:102,027,293, plus strand): 5'-CTACCCTGTCTCGTTTCGTCGCCTGGATGAACGGTTTGAGTGTGTACCAGATTAAGGTGC[G>A]TCTGGTCGGTGGCCTCTTAATCCCAGCAACAGATGTGTGTGCAGAGCTCAGTGAGTAGGA-3'

ClinVar aggregate classification (germline): Uncertain significance. Review status: criteria provided, multiple submitters, no conflicts (2 of 4 stars). 2 submissions from 2 submitters: Uncertain significance (2). Last evaluated 2025-01-06.

Conditions:
Charcot-Marie-Tooth disease axonal type 2O. Also called: Charcot-Marie-Tooth disease, axonal, type 20; CHARCOT-MARIE-TOOTH DISEASE, AXONAL, AUTOSOMAL DOMINANT, TYPE 2O; CHARCOT-MARIE-TOOTH NEUROPATHY, AXONAL, TYPE 2O; Charcot-Marie-Tooth Neuropathy Type 2O. Identifiers: Orphanet 284232, MedGen C3280220, MONDO:0013644, OMIM 614228.

Submissions (2):

GeneDx
Classification: Uncertain significance. Last evaluated: 2025-01-06. Review status: criteria provided, single submitter. Criteria: GeneDx Variant Classification Process June 2021. Collection method: clinical testing. Allele origin: germline. Affected: yes.
Comment: Not observed at significant frequency in large population cohorts (gnomAD); Has not been previously published as pathogenic or benign to our knowledge; In silico analysis is inconclusive as to whether the variant alters gene splicing. In the absence of RNA/functional studies, the actual effect of this sequence change is unknown..

Labcorp Genetics (formerly Invitae), Labcorp
Classification: Uncertain significance for Charcot-Marie-Tooth disease axonal type 2O. Last evaluated: 2024-11-16. Review status: criteria provided, single submitter. Criteria: Invitae Variant Classification Sherloc (09022015). Collection method: clinical testing. Allele origin: germline.
Comment: This sequence change falls in intron 45 of the DYNC1H1 gene. It does not directly change the encoded amino acid sequence of the DYNC1H1 protein. It affects a nucleotide within the consensus splice site. This variant is not present in population databases (gnomAD no frequency). This variant has not been reported in the literature in individuals affected with DYNC1H1-related conditions. Variants that disrupt the consensus splice site are a relatively common cause of aberrant splicing (PMID: 17576681, 9536098). Algorithms developed to predict the effect of sequence changes on RNA splicing suggest that this variant may disrupt the consensus splice site. In summary, the available evidence is currently insufficient to determine the role of this variant in disease. Therefore, it has been classified as a Variant of Uncertain Significance.

Literature cited by the submitters: PubMed 17576681 (cited by Labcorp Genetics (formerly Invitae), Labcorp); PubMed 9536098 (cited by Labcorp Genetics (formerly Invitae), Labcorp).